The following is an entry in ClinVar:

NM_001325.3(CSTF2):c.1517G>A (p.Gly506Glu)

Gene: CSTF2 (cleavage stimulation factor subunit 2; plus strand). Cytogenetic location: Xq22.1.
Variant type: single nucleotide variant.
Coding change: c.1517G>A on transcript NM_001325.3 (MANE Select); coding-DNA position 1517, G replaced by A.
Protein change: p.Gly506Glu; replaces glycine 506 with glutamic acid.
Molecular consequence: missense variant.
Genome position (GRCh38, 1-based): chrX:100,837,355, G>A. VCF-style: chrX-100837355-G-A. GRCh37 (hg19) VCF-style: chrX-100092344-G-A.
Other names: c.1577G>A, p.Gly526Glu (NM_001306206.2); c.1466G>A, p.Gly489Glu (NM_001306209.2); short protein forms G489E, G506E, G526E.
Identifiers: ClinVar variation 4823906 (VCV004823906.1).

ClinVar aggregate classification (germline): Likely benign (1 of 4 stars; one submission).

Conditions:
Intellectual developmental disorder, X-linked 113. Identifiers: MedGen C5882666, MONDO:0958200, OMIM 301116.

gnomAD v4.1: 1 of 1,208,038 alleles (0.000083%); highest among the groups gnomAD compares: Non-Finnish European, 0.00011%; no homozygotes.

Submission:

Centre for Medical Genetics,  Mumbai
Classification: Likely benign for Intellectual developmental disorder, X-linked 113. Last evaluated: 2026-03-30. Review status: criteria provided, single submitter. Criteria: ACMG Guidelines, 2015. Collection method: provider interpretation. Allele origin: germline. Inheritance: X-linked recessive inheritance. Affected: no. Observed: 1 variant allele, 1 homozygote.
Comment: The variant satisfies PM2 criteria; Extremely low frequency in gnomAD population databases. The variant satisfies PP2 criteria; Missense variant in a gene with low rate of benign missense mutations and for which missense mutation is a common mechanism of a disease. The variant satisfies BP4 criteria; For a missense or a splice region variant, computational prediction tools unanimously support a benign effect on the gene. However, the variant satisfies BS2 criteria.

Literature cited by the submitters: PubMed 32816001.